The following is an entry in ClinVar:

ClinVar aggregate classification (germline): Uncertain significance. Review status: criteria provided, multiple submitters, no conflicts (2 of 4 stars). 3 submissions from 3 submitters: Uncertain significance (3). Last evaluated 2025-04-28.

Conditions:
Familial cancer of breast. Also called: BREAST CANCER, FAMILIAL; Hereditary breast cancer; hereditary breast carcinoma. Identifiers: Orphanet 227535, MedGen C0346153, MONDO:0016419, OMIM 114480. Disease mechanism: loss of function.
Hereditary cancer-predisposing syndrome. Also called: Hereditary Cancer Syndrome; Neoplastic Syndromes, Hereditary; Tumor predisposition; Hereditary neoplastic syndrome. Identifiers: Orphanet 140162, MedGen C0027672, MeSH D009386, MONDO:0015356.

Submissions (3):

Ambry Genetics
Classification: Uncertain significance for Hereditary cancer-predisposing syndrome. Last evaluated: 2025-04-28. Review status: criteria provided, single submitter. Criteria: Ambry Variant Classification Scheme 2023. Collection method: clinical testing. Allele origin: germline.
Comment: The p.A1173T variant (also known as c.3517G>A), located in coding exon 13 of the PALB2 gene, results from a G to A substitution at nucleotide position 3517. The alanine at codon 1173 is replaced by threonine, an amino acid with similar properties. This amino acid position is highly conserved in available vertebrate species. In addition, this alteration is predicted to be tolerated by in silico analysis. Since supporting evidence is limited at this time, the clinical significance of this alteration remains unclear.

Labcorp Genetics (formerly Invitae), Labcorp
Classification: Uncertain significance for Familial cancer of breast. Last evaluated: 2024-12-10. Review status: criteria provided, single submitter. Criteria: Invitae Variant Classification Sherloc (09022015). Collection method: clinical testing. Allele origin: germline.
Comment: This sequence change replaces alanine, which is neutral and non-polar, with threonine, which is neutral and polar, at codon 1173 of the PALB2 protein (p.Ala1173Thr). This variant is not present in population databases (gnomAD no frequency). This variant has not been reported in the literature in individuals affected with PALB2-related conditions. ClinVar contains an entry for this variant (Variation ID: 480273). An algorithm developed to predict the effect of missense changes on protein structure and function (PolyPhen-2) suggests that this variant is likely to be disruptive. In summary, the available evidence is currently insufficient to determine the role of this variant in disease. Therefore, it has been classified as a Variant of Uncertain Significance.

Color Diagnostics, LLC DBA Color Health
Classification: Uncertain significance for Hereditary cancer-predisposing syndrome. Last evaluated: 2023-12-04. Review status: criteria provided, single submitter. Criteria: ACMG Guidelines, 2015. Collection method: clinical testing. Allele origin: germline.
Comment: This missense variant replaces alanine with threonine at codon 1173 of the PALB2 protein. Computational prediction suggests that this variant may not impact protein structure and function (internally defined REVEL score threshold <= 0.5, PMID: 27666373). To our knowledge, functional studies have not been reported for this variant. This variant has not been reported in individuals affected with PALB2-related disorders in the literature. This variant has not been identified in the general population by the Genome Aggregation Database (gnomAD). The available evidence is insufficient to determine the role of this variant in disease conclusively. Therefore, this variant is classified as a Variant of Uncertain Significance.

NM_024675.4(PALB2):c.3517G>A (p.Ala1173Thr)

Gene: PALB2 (partner and localizer of BRCA2; minus strand). Cytogenetic location: 16p12.2.
Variant type: single nucleotide variant.
Coding change: c.3517G>A on transcript NM_024675.4 (MANE Select); coding-DNA position 3517, G replaced by A.
Protein change: p.Ala1173Thr; replaces alanine 1173 with threonine.
Molecular consequence: missense variant.
Genome position (GRCh38, 1-based): chr16:23,603,503, C>T on the plus strand (G>A on the coding strand, the complement: PALB2 is on the minus strand). VCF-style: chr16-23603503-C-T. GRCh37 (hg19) VCF-style: chr16-23614824-C-T.
Other names: short protein forms A1173T.
Identifiers: ClinVar variation 480273 (VCV000480273.18), dbSNP rs1555457844, ClinGen allele CA395137853.